The following is an entry in ClinVar:

ClinVar aggregate classification (germline): Uncertain significance (1 of 4 stars; one submission).

Allele frequency attached by ClinVar (database versions not stated): ExAC 0.00002; gnomAD 0.00005; TOPMed 0.00005; ESP Exome Variant Server 0.00008.
gnomAD v4.1: 7 of 1,604,548 alleles (0.00044%); highest among the groups gnomAD compares: African/African-American, 0.008%; no homozygotes.

Submission:

Labcorp Genetics (formerly Invitae), Labcorp
Classification: Uncertain significance. Last evaluated: 2024-04-30. Review status: criteria provided, single submitter. Criteria: Invitae Variant Classification Sherloc (09022015). Collection method: clinical testing. Allele origin: germline.
Comment: This sequence change falls in intron 6 of the TRAK1 gene. It does not directly change the encoded amino acid sequence of the TRAK1 protein. It affects a nucleotide within the consensus splice site. This variant is present in population databases (rs374727887, gnomAD 0.01%). This variant has not been reported in the literature in individuals affected with TRAK1-related conditions. ClinVar contains an entry for this variant (Variation ID: 1910003). Variants that disrupt the consensus splice site are a relatively common cause of aberrant splicing (PMID: 17576681, 9536098). Algorithms developed to predict the effect of sequence changes on RNA splicing suggest that this variant is not likely to affect RNA splicing. In summary, the available evidence is currently insufficient to determine the role of this variant in disease. Therefore, it has been classified as a Variant of Uncertain Significance.

Literature cited by the submitters: PubMed 17576681; PubMed 9536098.

NM_001042646.3(TRAK1):c.690+6G>T

Gene: TRAK1 (trafficking kinesin protein 1; plus strand). Cytogenetic location: 3p22.1.
Variant type: single nucleotide variant.
Coding change: c.690+6G>T on transcript NM_001042646.3 (MANE Select); 6 bases into the intron after coding-DNA position 690, G replaced by T.
Molecular consequence: intron variant.
Genome position (GRCh38, 1-based): chr3:42,189,130, G>T. VCF-style: chr3-42189130-G-T. GRCh37 (hg19) VCF-style: chr3-42230622-G-T.
Other names: c.378+6G>T (NM_001349245.1); c.690+6G>T (NM_001349247.2, NM_001349246.2, NM_001265608.2); c.468+6G>T (NM_001349249.1, NM_001349248.1, NM_001265609.2 and 1 more transcripts); c.516+6G>T (NM_014965.5).
Identifiers: ClinVar variation 1910003 (VCV001910003.5), dbSNP rs374727887, ClinGen allele CA2333203.
Genomic context (GRCh38, chr3:42,189,130, plus strand): 5'-TCTTCAAAAGAAGCTGAAAGACCTTGAAGAGGAGAATGTTGTACTTCGATCCGAGGTGAT[G>T]TGCCCTCCCTTCTCTTGCCCCTGCTAGAAGGGTGGTGGCCCCATTCGCCTTATCTGGCAA-3'